The following is an entry in ClinVar:

NM_002473.6(MYH9):c.5430C>T (p.Thr1810=)

Gene: MYH9 (myosin heavy chain 9; minus strand). Cytogenetic location: 22q12.3.
Variant type: single nucleotide variant.
Coding change: c.5430C>T on transcript NM_002473.6 (MANE Select); coding-DNA position 5430, C replaced by T.
Protein change: p.Thr1810=; no amino-acid change (threonine 1810 retained).
Molecular consequence: synonymous variant.
Genome position (GRCh38, 1-based): chr22:36,285,174, G>A on the plus strand (C>T on the coding strand, the complement: MYH9 is on the minus strand). VCF-style: chr22-36285174-G-A. GRCh37 (hg19) VCF-style: chr22-36681220-G-A.
Identifiers: ClinVar variation 756916 (VCV000756916.8), dbSNP rs755623688, ClinGen allele CA10209062.

ClinVar aggregate classification (germline): Likely benign. Review status: criteria provided, single submitter (1 of 4 stars). 2 submissions from 2 submitters: Likely benign (1). 1 of the submissions does not count toward it. Last evaluated 2025-11-24.

Conditions:
MYH9-related disorder. Identifiers: MedGen C1854520.

Allele frequency attached by ClinVar (database versions not stated): ExAC 0.00001; gnomAD 0.00002 and 0.00003; TOPMed 0.00002.
gnomAD v4.1: 65 of 1,614,016 alleles (0.004%); highest among the groups gnomAD compares: East Asian, 0.0067%; no homozygotes.

Submissions (2):

Labcorp Genetics (formerly Invitae), Labcorp
Classification: Likely benign. Last evaluated: 2025-11-24. Review status: criteria provided, single submitter. Criteria: Invitae Variant Classification Sherloc (09022015). Collection method: clinical testing. Allele origin: germline.

PreventionGenetics, part of Exact Sciences
Classification: Likely benign for MYH9-related condition. Last evaluated: 2019-08-29. Review status: no assertion criteria provided. Collection method: clinical testing. Allele origin: germline. Not counted in ClinVar's aggregate classification.
Comment: This variant is classified as likely benign based on ACMG/AMP sequence variant interpretation guidelines (Richards et al. 2015 PMID: 25741868, with internal and published modifications).